The following is an entry in ClinVar:

ClinVar aggregate classification (germline): Uncertain significance. Review status: criteria provided, multiple submitters, no conflicts (2 of 4 stars). 3 submissions from 3 submitters: Uncertain significance (3). Last evaluated 2025-10-07.

Conditions:
MYH7B-related disorder. Also called: MYH7B-related condition.

Allele frequency attached by ClinVar (database versions not stated): gnomAD exomes 0.00004 and 0.00007; gnomAD 0.00007 and 0.00017; ExAC 0.00009; 1000 Genomes Project 30x 0.00016; TOPMed 0.00019; 1000 Genomes Project 0.00020; ESP Exome Variant Server 0.00024.
gnomAD v4.1: 79 of 1,611,288 alleles (0.0049%); highest among the groups gnomAD compares: Admixed American, 0.012%; no homozygotes.

Submissions (3):

Labcorp Genetics (formerly Invitae), Labcorp
Classification: Uncertain significance. Last evaluated: 2025-10-07. Review status: criteria provided, single submitter. Criteria: Invitae Variant Classification Sherloc (09022015). Collection method: clinical testing. Allele origin: germline.
Comment: This sequence change replaces glycine, which is neutral and non-polar, with arginine, which is basic and polar, at codon 907 of the MYH7B protein (p.Gly907Arg). This variant is present in population databases (rs368910392, gnomAD 0.01%). This variant has not been reported in the literature in individuals affected with MYH7B-related conditions. ClinVar contains an entry for this variant (Variation ID: 1486620). Invitae Evidence Modeling of protein sequence and biophysical properties (such as structural, functional, and spatial information, amino acid conservation, physicochemical variation, residue mobility, and thermodynamic stability) indicates that this missense variant is not expected to disrupt MYH7B protein function with a negative predictive value of 80%. In summary, the available evidence is currently insufficient to determine the role of this variant in disease. Therefore, it has been classified as a Variant of Uncertain Significance.

PreventionGenetics, part of Exact Sciences
Classification: Uncertain significance for MYH7B-related condition. Last evaluated: 2025-03-15. Review status: criteria provided, single submitter. Criteria: ACMG Guidelines, 2015. Collection method: clinical testing. Allele origin: germline.
Comment: The MYH7B c.2719G>A variant is predicted to result in the amino acid substitution p.Gly907Arg. To our knowledge, this variant has not been reported in the literature. This variant is reported in 0.017% of alleles in individuals of Latino descent in gnomAD. At this time, the clinical significance of this variant is uncertain due to the absence of conclusive functional and genetic evidence.

Ambry Genetics
Classification: Uncertain significance. Last evaluated: 2023-11-22. Review status: criteria provided, single submitter. Criteria: Ambry Variant Classification Scheme 2023. Collection method: clinical testing. Allele origin: germline.

NM_020884.7(MYH7B):c.2593G>A (p.Gly865Arg)

Gene: MYH7B (myosin heavy chain 7B; plus strand). Cytogenetic location: 20q11.22.
Variant type: single nucleotide variant.
Coding change: c.2593G>A on transcript NM_020884.7 (MANE Select); coding-DNA position 2593, G replaced by A.
Protein change: p.Gly865Arg; replaces glycine 865 with arginine.
Molecular consequence: missense variant.
Genome position (GRCh38, 1-based): chr20:34,994,294, G>A. VCF-style: chr20-34994294-G-A. GRCh37 (hg19) VCF-style: chr20-33582097-G-A.
Other names: c.2719G>A (NM_020884.3, NM_020884.4); short protein forms G865R.
Identifiers: ClinVar variation 1486620 (VCV001486620.8), dbSNP rs368910392, ClinGen allele CA9827425.